The following is an entry in ClinVar:

NM_002439.5(MSH3):c.2770G>T (p.Ala924Ser)

Gene: MSH3 (mutS homolog 3; plus strand). Cytogenetic location: 5q14.1.
Variant type: single nucleotide variant.
Coding change: c.2770G>T on transcript NM_002439.5 (MANE Select); coding-DNA position 2770, G replaced by T.
Protein change: p.Ala924Ser; replaces alanine 924 with serine.
Molecular consequence: missense variant.
Genome position (GRCh38, 1-based): chr5:80,813,698, G>T. VCF-style: chr5-80813698-G-T. GRCh37 (hg19) VCF-style: chr5-80109517-G-T.
Other names: short protein forms A924S.
Identifiers: ClinVar variation 5024802 (VCV005024802.1).

ClinVar aggregate classification (germline): Uncertain significance (1 of 4 stars; one submission).

Conditions:
Hereditary cancer-predisposing syndrome. Also called: Neoplastic Syndromes, Hereditary; Tumor predisposition; Hereditary neoplastic syndrome; Hereditary Cancer Syndrome. Identifiers: Orphanet 140162, MedGen C0027672, MeSH D009386, MONDO:0015356.

Submission:

Ambry Genetics
Classification: Uncertain significance for Hereditary cancer-predisposing syndrome. Last evaluated: 2026-07-12. Review status: criteria provided, single submitter. Criteria: Ambry Variant Classification Scheme 2023. Collection method: clinical testing. Allele origin: germline.
Comment: The p.A924S variant (also known as c.2770G>T), located in coding exon 20 of the MSH3 gene, results from a G to T substitution at nucleotide position 2770. The alanine at codon 924 is replaced by serine, an amino acid with similar properties. This amino acid position is conserved. In addition, this alteration is predicted to be deleterious by in silico analysis. Based on the available evidence, the clinical significance of this variant remains unclear.